The following is an entry in ClinVar:

NM_020778.5(ALPK3):c.2874T>G (p.Asp958Glu)

Gene: ALPK3 (alpha kinase 3; plus strand). Cytogenetic location: 15q25.3.
Variant type: single nucleotide variant.
Coding change: c.2874T>G on transcript NM_020778.5 (MANE Select); coding-DNA position 2874, T replaced by G.
Protein change: p.Asp958Glu; replaces aspartic acid 958 with glutamic acid.
Molecular consequence: missense variant.
Genome position (GRCh38, 1-based): chr15:84,857,612, T>G. VCF-style: chr15-84857612-T-G. GRCh37 (hg19) VCF-style: chr15-85400843-T-G.
Other names: short protein forms D958E.
Identifiers: ClinVar variation 3859304 (VCV003859304.1).
Genomic context (GRCh38, chr15:84,857,612, plus strand): 5'-GGTACCAGATGTGGAGGGGCGGACCCCAGGTCCCCGGAGCTGTGACCCTGGCCTCATAGA[T>G]TCCCTGAAGAACTACCTGCTTCTGCTGCTGAAGCTGTCCAGCACAGAGACAAGTGGAGCA-3'
Protein context (NP_065829.4, residues 948-968): GPRSCDPGLI[Asp958Glu]SLKNYLLLLL

ClinVar aggregate classification (germline): Uncertain significance (1 of 4 stars; one submission).

Conditions:
Cardiovascular phenotype. Identifiers: MedGen CN230736.

Submission:

Ambry Genetics
Classification: Uncertain significance for Cardiovascular phenotype. Last evaluated: 2025-01-10. Review status: criteria provided, single submitter. Criteria: Ambry Variant Classification Scheme 2023. Collection method: clinical testing. Allele origin: germline.
Comment: The p.D1160E variant (also known as c.3480T>G), located in coding exon 6 of the ALPK3 gene, results from a T to G substitution at nucleotide position 3480. The aspartic acid at codon 1160 is replaced by glutamic acid, an amino acid with highly similar properties. This amino acid position is conserved. In addition, this alteration is predicted to be tolerated by in silico analysis. Based on the available evidence, the clinical significance of this variant remains unclear.